The following is an entry in ClinVar:

NM_014321.4(ORC6):c.-47G>A

Gene: ORC6 (origin recognition complex subunit 6; plus strand). Cytogenetic location: 16q11.2.
Variant type: single nucleotide variant.
Coding change: c.-47G>A on transcript NM_014321.4 (MANE Select); 47 bases upstream of the start codon, G replaced by A.
Molecular consequence: 5 prime UTR variant. On other transcripts: non-coding transcript variant (1).
Genome position (GRCh38, 1-based): chr16:46,689,659, G>A. VCF-style: chr16-46689659-G-A. GRCh37 (hg19) VCF-style: chr16-46723571-G-A.
Identifiers: ClinVar variation 260387 (VCV000260387.7), dbSNP rs144065502, ClinGen allele CA8037214.

ClinVar aggregate classification (germline): Benign/Likely benign. Review status: criteria provided, multiple submitters, no conflicts (2 of 4 stars). 2 submissions from 2 submitters: Benign (1); Likely benign (1). Last evaluated 2018-01-13.

Conditions:
Meier-Gorlin syndrome 3 (MGORS3). Identifiers: Orphanet 2554, MedGen C3151113, MONDO:0013430, OMIM 613803.

Allele frequency attached by ClinVar (database versions not stated): 1000 Genomes Project 30x 0.00219; gnomAD 0.00280; ESP Exome Variant Server 0.00283; TOPMed 0.00368; 1000 Genomes Project 0.00260.
gnomAD v4.1: 5,667 of 1,572,080 alleles (0.36%); highest among the groups gnomAD compares: Middle Eastern, 3.1%; 33 homozygotes.

Submissions (2):

Illumina Laboratory Services, Illumina
Classification: Benign for Meier-Gorlin syndrome 3. Last evaluated: 2018-01-13. Review status: criteria provided, single submitter. Criteria: ICSL Variant Classification Criteria 13 December 2019. Collection method: clinical testing. Allele origin: germline.
Comment: This variant was observed in the ICSL laboratory as part of a predisposition screen in an ostensibly healthy population. It had not been previously curated by ICSL or reported in the Human Gene Mutation Database (HGMD: prior to June 1st, 2018), and was therefore a candidate for classification through an automated scoring system. Utilizing variant allele frequency, disease prevalence and penetrance estimates, and inheritance mode, an automated score was calculated to assess if this variant is too frequent to cause the disease. Based on the score and internal cut-off values, a variant classified as benign is not then subjected to further curation. The score for this variant resulted in a classification of benign for this disease.

PreventionGenetics, part of Exact Sciences
Classification: Likely benign. Review status: criteria provided, single submitter. Criteria: ACMG Guidelines, 2015. Collection method: clinical testing. Allele origin: germline.